The following is an entry in ClinVar:

ClinVar aggregate classification (germline): Uncertain significance (1 of 4 stars; one submission).

Submission:

Women's Health and Genetics/Laboratory Corporation of America, LabCorp
Classification: Uncertain significance. Last evaluated: 2025-07-08. Review status: criteria provided, single submitter. Criteria: LabCorp Variant Classification Summary - May 2015. Collection method: clinical testing. Allele origin: germline.
Comment: Variant summary: The variant involves the duplication of non coding exon 1 in the RAB27A gene. The exact breakpoint at the 5' end of this variant is unknown, therefore this duplication may extend upstream of the annotated region of this gene. A presumed nomenclature of c.(?_-258)_(-23+1_-22-1)dup has been designated for the purposes of this classification. The variant was absent in 21694 control chromosomes. The available data on variant occurrences in the general population are insufficient to allow any conclusion about variant significance. To our knowledge, no occurrence of c.(?_-258)_(-23+1_-22-1)dup in individuals affected with Griscelli Syndrome Type 2 and no experimental evidence demonstrating its impact on protein function have been reported. No submitters have cited clinical-significance assessments for this variant to ClinVar. Based on the evidence outlined above, the variant was classified as uncertain significance.

NC_000015.9:g.(55527155_55562362)_(55562598_?)dup

Gene: RAB27A (RAB27A, member RAS oncogene family; minus strand). Cytogenetic location: 15q21.3.
Variant type: Duplication.
Identifiers: ClinVar variation 4526082 (VCV004526082.1).